The following is an entry in ClinVar:

ClinVar aggregate classification (germline): not provided (0 of 4 stars; one submission).

Allele frequency attached by ClinVar (database versions not stated): 1000 Genomes Project 0.00020; 1000 Genomes Project 30x 0.00031; gnomAD 0.00062 and 0.00063; gnomAD exomes 0.00063 and 0.00082; ExAC 0.00065; TOPMed 0.00067; ESP Exome Variant Server 0.00085.
gnomAD v4.1: 1,039 of 1,614,186 alleles (0.064%); highest among the groups gnomAD compares: Middle Eastern, 0.05%; 1 homozygote.

Submission:

ITMI
No classification provided. Condition: AllHighlyPenetrant. Last evaluated: 2013-09-19. Review status: no classification provided. Collection method: reference population. Allele origin: germline.
Comment: Please see associated publication for description of ethnicities

Literature cited by the submitters: PubMed 24728327.

NM_170662.5(CBLB):c.1934A>G (p.His645Arg)

Gene: CBLB (Cbl proto-oncogene B; minus strand). Cytogenetic location: 3q13.11.
Variant type: single nucleotide variant.
Coding change: c.1934A>G on transcript NM_170662.5 (MANE Select); coding-DNA position 1934, A replaced by G.
Protein change: p.His645Arg; replaces histidine 645 with arginine.
Molecular consequence: missense variant. On other transcripts: non-coding transcript variant (7).
Genome position (GRCh38, 1-based): chr3:105,702,119, T>C on the plus strand (A>G on the coding strand, the complement: CBLB is on the minus strand). VCF-style: chr3-105702119-T-C. GRCh37 (hg19) VCF-style: chr3-105420963-T-C.
Other names: c.2018A>G, p.His673Arg (NM_001321786.1, NM_001321789.1); c.1934A>G, p.His645Arg (NM_001321788.2, NM_001321791.2, NM_001321793.2 and 4 more transcripts); c.2000A>G, p.His667Arg (NM_001321790.2); c.1787A>G, p.His596Arg (NM_001321796.2, NM_001321799.2); c.1154A>G, p.His385Arg (NM_001321806.2, NM_001321807.2, NM_001321808.2 and 3 more transcripts); c.746A>G, p.His249Arg (NM_001321820.2); c.605A>G, p.His202Arg (NM_001321822.2); short protein forms H645R, H202R, H249R, H385R, H596R, H667R, H673R.
Identifiers: ClinVar variation 133821 (VCV000133821.1), dbSNP rs41311396, ClinGen allele CA157889.